The following is an entry in ClinVar:

NM_000350.3(ABCA4):c.2930C>G (p.Thr977Arg)

Gene: ABCA4 (ATP binding cassette subfamily A member 4; minus strand). Cytogenetic location: 1p22.1.
Variant type: single nucleotide variant.
Coding change: c.2930C>G on transcript NM_000350.3 (MANE Select); coding-DNA position 2930, C replaced by G.
Protein change: p.Thr977Arg; replaces threonine 977 with arginine.
Molecular consequence: missense variant.
Genome position (GRCh38, 1-based): chr1:94,044,733, G>C on the plus strand (C>G on the coding strand, the complement: ABCA4 is on the minus strand). VCF-style: chr1-94044733-G-C. GRCh37 (hg19) VCF-style: chr1-94510289-G-C.
Other names: c.2708C>G, p.Thr903Arg (NM_001425324.1); short protein forms T977R, T903R.
Identifiers: ClinVar variation 2778203 (VCV002778203.3), dbSNP rs148015012, ClinGen allele CA341275250.

ClinVar aggregate classification (germline): Likely pathogenic (1 of 4 stars; one submission).

Submission:

Labcorp Genetics (formerly Invitae), Labcorp
Classification: Likely pathogenic. Last evaluated: 2022-12-07. Review status: criteria provided, single submitter. Criteria: Invitae Variant Classification Sherloc (09022015). Collection method: clinical testing. Allele origin: germline.
Comment: In summary, the currently available evidence indicates that the variant is pathogenic, but additional data are needed to prove that conclusively. Therefore, this variant has been classified as Likely Pathogenic. This variant has not been reported in the literature in individuals affected with ABCA4-related conditions. Advanced modeling of protein sequence and biophysical properties (such as structural, functional, and spatial information, amino acid conservation, physicochemical variation, residue mobility, and thermodynamic stability) performed at Invitae indicates that this missense variant is expected to disrupt ABCA4 protein function. This variant disrupts the p.Thr977 amino acid residue in ABCA4. Other variant(s) that disrupt this residue have been determined to be pathogenic (Invitae). This suggests that this residue is clinically significant, and that variants that disrupt this residue are likely to be disease-causing. This variant is not present in population databases (gnomAD no frequency). This sequence change replaces threonine, which is neutral and polar, with arginine, which is basic and polar, at codon 977 of the ABCA4 protein (p.Thr977Arg).